The following is an entry in ClinVar:

ClinVar aggregate classification (germline): Uncertain significance. Review status: criteria provided, single submitter (1 of 4 stars). 2 submissions from 2 submitters: Uncertain significance (1). 1 of the submissions does not count toward it. Last evaluated 2024-11-08.

Conditions:
EP300-related disorder. Also called: EP300-related disorders; EP300-related condition.
Inborn genetic diseases. Identifiers: MedGen C0950123, MeSH D030342.

gnomAD v4.1: 1 of 1,614,208 alleles (0.000062%); highest among the groups gnomAD compares: East Asian, 0.0022%; no homozygotes.

Submissions (2):

Ambry Genetics
Classification: Uncertain significance for Inborn genetic diseases. Last evaluated: 2024-11-08. Review status: criteria provided, single submitter. Criteria: Ambry Variant Classification Scheme 2023. Collection method: clinical testing. Allele origin: germline.

PreventionGenetics, part of Exact Sciences
Classification: Uncertain significance for EP300-related condition. Last evaluated: 2024-07-11. Review status: no assertion criteria provided. Collection method: clinical testing. Allele origin: germline. Not counted in ClinVar's aggregate classification.
Comment: The EP300 c.6935C>G variant is predicted to result in the amino acid substitution p.Pro2312Arg. To our knowledge, this variant has not been reported in the literature or in a large population database, indicating this variant is rare. At this time, the clinical significance of this variant is uncertain due to the absence of conclusive functional and genetic evidence.

NM_001429.4(EP300):c.6935C>G (p.Pro2312Arg)

Gene: EP300 (E1A binding protein p300; plus strand). Cytogenetic location: 22q13.2.
Variant type: single nucleotide variant.
Coding change: c.6935C>G on transcript NM_001429.4 (MANE Select); coding-DNA position 6935, C replaced by G.
Protein change: p.Pro2312Arg; replaces proline 2312 with arginine.
Molecular consequence: missense variant.
Genome position (GRCh38, 1-based): chr22:41,178,646, C>G. VCF-style: chr22-41178646-C-G. GRCh37 (hg19) VCF-style: chr22-41574650-C-G.
Other names: c.6857C>G, p.Pro2286Arg (NM_001362843.2); short protein forms P2286R, P2312R.
Identifiers: ClinVar variation 3344503 (VCV003344503.2).